The following is an entry in ClinVar:

ClinVar aggregate classification (germline): Uncertain significance/Uncertain risk allele. Review status: criteria provided, multiple submitters, no conflicts (2 of 4 stars). 7 submissions from 7 submitters: Uncertain significance (6); Uncertain risk allele (1). Last evaluated 2024-05-09.

Conditions:
Type 2 diabetes mellitus. Also called: Type II diabetes mellitus. Identifiers: MedGen C0011860, MeSH D003924, MONDO:0005148, OMIM 125853, HP:0005978.
Nonpapillary renal cell carcinoma. Identifiers: Orphanet 422526, MedGen CN074294, MONDO:0007763, OMIM 144700.
Renal cysts and diabetes syndrome (RCAD). Also called: Familial hypoplastic, glomerulocystic kidney; MATURITY-ONSET DIABETES OF THE YOUNG, TYPE 5. Identifiers: Orphanet 93111, MedGen C0431693, MONDO:0007669, OMIM 137920.
Maturity-onset diabetes of the young (MODY). Also called: Maturity onset diabetes mellitus in young. Identifiers: Orphanet 552, MedGen C0342276, MONDO:0018911, HP:0004904.

Allele frequency attached by ClinVar (database versions not stated): TOPMed below 0.00001; gnomAD 0.00001; gnomAD exomes 0.00001.
gnomAD v4.1: 12 of 1,612,624 alleles (0.00074%); highest among the groups gnomAD compares: South Asian, 0.0055%; no homozygotes.

Submissions (7):

Labcorp Genetics (formerly Invitae), Labcorp
Classification: Uncertain significance. Last evaluated: 2024-05-09. Review status: criteria provided, single submitter. Criteria: Invitae Variant Classification Sherloc (09022015). Collection method: clinical testing. Allele origin: germline.
Comment: This sequence change replaces alanine, which is neutral and non-polar, with threonine, which is neutral and polar, at codon 373 of the HNF1B protein (p.Ala373Thr). This variant is present in population databases (rs759270956, gnomAD 0.006%). This variant has not been reported in the literature in individuals affected with HNF1B-related conditions. ClinVar contains an entry for this variant (Variation ID: 596527). Advanced modeling of protein sequence and biophysical properties (such as structural, functional, and spatial information, amino acid conservation, physicochemical variation, residue mobility, and thermodynamic stability) performed at Invitae indicates that this missense variant is not expected to disrupt HNF1B protein function with a negative predictive value of 80%. In summary, the available evidence is currently insufficient to determine the role of this variant in disease. Therefore, it has been classified as a Variant of Uncertain Significance.

Athena Diagnostics
Classification: Uncertain significance. Last evaluated: 2023-01-13. Review status: criteria provided, single submitter. Criteria: Athena Diagnostics Criteria. Collection method: clinical testing. Allele origin: unknown.
Comment: Available data are insufficient to determine the clinical significance of the variant at this time. The frequency of this variant in the general population is uninformative in assessment of its pathogenicity. Computational tools disagree on the variant's effect on normal protein function.

Fulgent Genetics
Classification: Uncertain significance for Type 2 diabetes mellitus; Renal cysts and diabetes syndrome; Nonpapillary renal cell carcinoma. Last evaluated: 2022-05-06. Review status: criteria provided, single submitter. Criteria: ACMG Guidelines, 2015. Collection method: clinical testing. Allele origin: unknown.

GeneDx
Classification: Uncertain significance. Last evaluated: 2021-12-17. Review status: criteria provided, single submitter. Criteria: GeneDx Variant Classification Process June 2021. Collection method: clinical testing. Allele origin: germline. Affected: yes.
Comment: In silico analysis supports that this missense variant does not alter protein structure/function; Has not been previously published as pathogenic or benign to our knowledge

Eurofins Ntd Llc (ga)
Classification: Uncertain significance. Last evaluated: 2018-03-16. Review status: criteria provided, single submitter. Criteria: EGL ClinVar v180209 classification definitions. Collection method: clinical testing. Allele origin: germline. Observed: 1 variant allele, 1 heterozygote.

Clinical Genomics, Uppaluri K&H Personalized Medicine Clinic
Classification: Uncertain risk allele for Maturity-onset diabetes of the young. Review status: criteria provided, single submitter. Criteria: K & H Uppaluri Personalized Medicine Clinic Variant Classification & Assertion Criteria_Updated V.1. Collection method: research. Allele origin: unknown. Inheritance: Autosomal dominant inheritance.
Comment: HNF1B gene mutations are associated with early onset diabetes and pancreatic atrophy. It is also associated with multiple renal manifestations including renal cysts, Tubulointerstitial disease, glomerulocystic disease, renal hypoplasia, hypomagnesemia. However no sufficient evidence is found to ascertain the role of this particular variant rs759270956, yet.

Neuberg Centre For Genomic Medicine, NCGM
Classification: Uncertain significance for Renal cysts and diabetes syndrome. Review status: criteria provided, single submitter. Criteria: ACMG Guidelines, 2015. Collection method: clinical testing. Allele origin: germline. Inheritance: Autosomal dominant inheritance. Affected: yes.
Comment: The missense c.1117G>Ap.Ala373Thr variant in HNF1B gene has not been reported previously as a pathogenic variant nor as a benign variant, to our knowledge. The variant is reported with an allele frequency of 0.001% in the gnomAD exomes database and is novel not in any individuals in 1000 Genomes database. This variant has been reported to the ClinVar database as Uncertain significance multiple submission. The amino acid change p.Ala373Thr in HNF1B is predicted as conserved by GERP++ and PhyloP across 100 vertebrates. The amino acid Ala at position 373 is changed to a Thr changing protein sequence and it might alter its composition and physico-chemical properties. For these reasons, this variant has been classified as Variant of Uncertain Significance VUS.

Literature cited by the submitters: PubMed 31498910 (cited by Athena Diagnostics); PubMed 24897035 (cited by Clinical Genomics, Uppaluri K&H Personalized Medicine Clinic); PubMed 25536396 (cited by Clinical Genomics, Uppaluri K&H Personalized Medicine Clinic); PubMed 27615128 (cited by Clinical Genomics, Uppaluri K&H Personalized Medicine Clinic); PubMed 28215227 (cited by Clinical Genomics, Uppaluri K&H Personalized Medicine Clinic); PubMed 33434175 (cited by Clinical Genomics, Uppaluri K&H Personalized Medicine Clinic); PubMed 25741167 (cited by Clinical Genomics, Uppaluri K&H Personalized Medicine Clinic); PubMed 26340261 (cited by Clinical Genomics, Uppaluri K&H Personalized Medicine Clinic); PubMed 19639018 (cited by Clinical Genomics, Uppaluri K&H Personalized Medicine Clinic).

NM_000458.4(HNF1B):c.1117G>A (p.Ala373Thr)

Gene: HNF1B (HNF1 homeobox B; minus strand). Cytogenetic location: 17q12.
Variant type: single nucleotide variant.
Coding change: c.1117G>A on transcript NM_000458.4 (MANE Select); coding-DNA position 1117, G replaced by A.
Protein change: p.Ala373Thr; replaces alanine 373 with threonine.
Molecular consequence: missense variant.
Genome position (GRCh38, 1-based): chr17:37,710,592, C>T on the plus strand (G>A on the coding strand, the complement: HNF1B is on the minus strand). VCF-style: chr17-37710592-C-T. GRCh37 (hg19) VCF-style: chr17-36070600-C-T.
Other names: c.1039G>A, p.Ala347Thr (NM_001165923.4, NM_001304286.2); short protein forms A373T, A347T.
Identifiers: ClinVar variation 596527 (VCV000596527.14), dbSNP rs759270956, ClinGen allele CA8518894.
Genomic context (GRCh38, chr17:37,710,592, plus strand): 5'-GGCCTGGGTCCAGGCTGGCTGGGGAGACTTGCTGTAAAACCGACTGGCTGGTCACCATGG[C>T]GCTGTTGCCATGGTGACTGATTGTTGAGGAGGAAGTGATCTCATTGTTTCCCTGCTGGCT-3'
Protein context (NP_000449.1, residues 363-383): SSTISHHGNS[Ala373Thr]MVTSQSVLQQ